The following is an entry in ClinVar:

ClinVar aggregate classification (germline): Uncertain significance (1 of 4 stars; one submission).

Submission:

Labcorp Genetics (formerly Invitae), Labcorp
Classification: Uncertain significance. Last evaluated: 2021-11-16. Review status: criteria provided, single submitter. Criteria: Invitae Variant Classification Sherloc (09022015). Collection method: clinical testing. Allele origin: germline.
Comment: This variant has not been reported in the literature in individuals affected with NOTCH3-related conditions. Information on the frequency of this variant in the gnomAD database is not available, as this variant may be reported differently in the database. This sequence change replaces proline, which is neutral and non-polar, with serine, which is neutral and polar, at codon 178 of the NOTCH3 protein (p.Pro178Ser). Experimental studies and prediction algorithms are not available or were not evaluated, and the functional significance of this variant is currently unknown. In summary, the available evidence is currently insufficient to determine the role of this variant in disease. Therefore, it has been classified as a Variant of Uncertain Significance.

NM_000435.3(NOTCH3):c.531_532delinsTT (p.Pro178Ser)

Gene: NOTCH3 (notch receptor 3; minus strand). Cytogenetic location: 19p13.12.
Variant type: Indel.
Coding change: c.531_532delinsTT on transcript NM_000435.3 (MANE Select); coding-DNA positions 531 to 532, AC replaced by TT.
Protein change: p.Pro178Ser; replaces proline 178 with serine.
Molecular consequence: missense variant.
Genome position (GRCh38, 1-based): chr19:15,192,107-15,192,108, GT replaced by AA on the plus strand (AC replaced by TT on the coding strand, the reverse complement: NOTCH3 is on the minus strand). VCF-style: chr19-15192107-GT-AA. GRCh37 (hg19) VCF-style: chr19-15302918-GT-AA.
Other names: short protein forms P178S.
Identifiers: ClinVar variation 1423587 (VCV001423587.6), dbSNP rs2145441756, ClinGen allele CA2573156096.